The following is an entry in ClinVar:

NM_033641.4(COL4A6):c.3914A>T (p.Lys1305Met)

Gene: COL4A6 (collagen type IV alpha 6 chain; minus strand). Cytogenetic location: Xq22.3.
Variant type: single nucleotide variant.
Coding change: c.3914A>T on transcript NM_033641.4 (MANE Select); coding-DNA position 3914, A replaced by T.
Protein change: p.Lys1305Met; replaces lysine 1305 with methionine.
Molecular consequence: missense variant.
Genome position (GRCh38, 1-based): chrX:108,164,933, T>A on the plus strand (A>T on the coding strand, the complement: COL4A6 is on the minus strand). VCF-style: chrX-108164933-T-A. GRCh37 (hg19) VCF-style: chrX-107408163-T-A.
Other names: c.3965A>T, p.Lys1322Met (NM_001287758.2); c.3842A>T, p.Lys1281Met (NM_001287759.2, NM_001287760.2); c.3917A>T, p.Lys1306Met (NM_001847.4); short protein forms K1306M, K1322M, K1281M, K1305M.
Identifiers: ClinVar variation 3682015 (VCV003682015.2).

ClinVar aggregate classification (germline): Uncertain significance (1 of 4 stars; one submission).

gnomAD v4.1: 1 of 1,209,906 alleles (0.000083%); no homozygotes.

Submission:

Labcorp Genetics (formerly Invitae), Labcorp
Classification: Uncertain significance. Last evaluated: 2024-09-21. Review status: criteria provided, single submitter. Criteria: Invitae Variant Classification Sherloc (09022015). Collection method: clinical testing. Allele origin: germline.
Comment: This sequence change replaces lysine, which is basic and polar, with methionine, which is neutral and non-polar, at codon 1306 of the COL4A6 protein (p.Lys1306Met). This variant is not present in population databases (gnomAD no frequency). This variant has not been reported in the literature in individuals affected with COL4A6-related conditions. Invitae Evidence Modeling of protein sequence and biophysical properties (such as structural, functional, and spatial information, amino acid conservation, physicochemical variation, residue mobility, and thermodynamic stability) indicates that this missense variant is not expected to disrupt COL4A6 protein function with a negative predictive value of 80%. In summary, the available evidence is currently insufficient to determine the role of this variant in disease. Therefore, it has been classified as a Variant of Uncertain Significance.